The following is an entry in ClinVar:

NM_000136.3(FANCC):c.1189T>C (p.Phe397Leu)

Genes: AOPEP (aminopeptidase O (putative); plus strand), FANCC (FA complementation group C; minus strand). Cytogenetic location: 9q22.32.
Variant type: single nucleotide variant.
Coding change: c.1189T>C on transcript NM_000136.3 (MANE Select); coding-DNA position 1189, T replaced by C.
Protein change: p.Phe397Leu; replaces phenylalanine 397 with leucine.
Molecular consequence: missense variant.
Genome position (GRCh38, 1-based): chr9:95,111,603, A>G on the plus strand (T>C on the coding strand, the complement: FANCC is on the minus strand). VCF-style: chr9-95111603-A-G. GRCh37 (hg19) VCF-style: chr9-97873885-A-G.
Other names: c.1189T>C, p.Phe397Leu (NM_001243743.2, NM_001243744.2); short protein forms F397L.
Identifiers: ClinVar variation 1744384 (VCV001744384.2), dbSNP rs2540888091, ClinGen allele CA374107512.

ClinVar aggregate classification (germline): Uncertain significance (1 of 4 stars; one submission).

Conditions:
Hereditary cancer-predisposing syndrome. Also called: Hereditary Cancer Syndrome; Neoplastic Syndromes, Hereditary; Tumor predisposition; Hereditary neoplastic syndrome. Identifiers: Orphanet 140162, MedGen C0027672, MeSH D009386, MONDO:0015356.

Allele frequency attached by ClinVar (database versions not stated): gnomAD exomes below 0.00001.
gnomAD v4.1: 1 of 1,614,180 alleles (0.000062%); highest among the groups gnomAD compares: Non-Finnish European, 0.000085%; no homozygotes.

Submission:

Ambry Genetics
Classification: Uncertain significance for Hereditary cancer-predisposing syndrome. Last evaluated: 2020-07-02. Review status: criteria provided, single submitter. Criteria: Ambry Variant Classification Scheme 2023. Collection method: clinical testing. Allele origin: germline.
Comment: The p.F397L variant (also known as c.1189T>C), located in coding exon 12 of the FANCC gene, results from a T to C substitution at nucleotide position 1189. The phenylalanine at codon 397 is replaced by leucine, an amino acid with highly similar properties. This amino acid position is not well conserved in available vertebrate species, and leucine is the reference amino acid in other vertebrate species. In addition, this alteration is predicted to be tolerated by in silico analysis. Since supporting evidence is limited at this time, the clinical significance of this alteration remains unclear.